The following is an entry in ClinVar:

ClinVar aggregate classification (germline): Conflicting classifications of pathogenicity. Review status: criteria provided, conflicting classifications (1 of 4 stars). 2 submissions from 2 submitters: Uncertain significance (1); Benign (1). Last evaluated 2025-10-08.

Conditions:
Hereditary cancer-predisposing syndrome. Also called: Neoplastic Syndromes, Hereditary; Hereditary Cancer Syndrome; Hereditary neoplastic syndrome; Tumor predisposition. Identifiers: Orphanet 140162, MedGen C0027672, MeSH D009386, MONDO:0015356.
Tuberous sclerosis 2 (TSC2). Identifiers: Orphanet 805, MedGen C1860707, MONDO:0013199, OMIM 613254.

Allele frequency attached by ClinVar (database versions not stated): gnomAD exomes below 0.00001; TOPMed 0.00001.
gnomAD v4.1: 1 of 1,612,892 alleles (0.000062%); highest among the groups gnomAD compares: Non-Finnish European, 0.000085%; no homozygotes.

Submissions (2):

Labcorp Genetics (formerly Invitae), Labcorp
Classification: Benign for Tuberous sclerosis 2. Last evaluated: 2025-10-08. Review status: criteria provided, single submitter. Criteria: Invitae Variant Classification Sherloc (09022015). Collection method: clinical testing. Allele origin: germline.

Ambry Genetics
Classification: Uncertain significance for Hereditary cancer-predisposing syndrome. Last evaluated: 2024-02-14. Review status: criteria provided, single submitter. Criteria: Ambry Variant Classification Scheme 2023. Collection method: clinical testing. Allele origin: germline.
Comment: The p.S1254L variant (also known as c.3761C>T), located in coding exon 30 of the TSC2 gene, results from a C to T substitution at nucleotide position 3761. The serine at codon 1254 is replaced by leucine, an amino acid with dissimilar properties. This amino acid position is well conserved in available vertebrate species. In addition, this alteration is predicted to be deleterious by in silico analysis. Based on the available evidence, the clinical significance of this alteration remains unclear.

NM_000548.5(TSC2):c.3761C>T (p.Ser1254Leu)

Gene: TSC2 (TSC complex subunit 2; plus strand). Cytogenetic location: 16p13.3.
Variant type: single nucleotide variant.
Coding change: c.3761C>T on transcript NM_000548.5 (MANE Select); coding-DNA position 3761, C replaced by T.
Protein change: p.Ser1254Leu; replaces serine 1254 with leucine.
Molecular consequence: missense variant.
Genome position (GRCh38, 1-based): chr16:2,081,745, C>T. VCF-style: chr16-2081745-C-T. GRCh37 (hg19) VCF-style: chr16-2131746-C-T.
Other names: c.3629C>T, p.Ser1210Leu (NM_001077183.3, NM_001370404.1); c.3761C>T, p.Ser1254Leu (NM_001114382.3); c.3521C>T, p.Ser1174Leu (NM_001318827.2); c.3485C>T, p.Ser1162Leu (NM_001318829.2); c.3029C>T, p.Ser1010Leu (NM_001318831.2); c.3662C>T, p.Ser1221Leu (NM_001318832.2); c.3632C>T, p.Ser1211Leu (NM_001363528.2, NM_001370405.1, NM_021055.3); short protein forms S1010L, S1221L, S1254L, S1162L, S1174L, S1210L, S1211L.
Identifiers: ClinVar variation 640728 (VCV000640728.11), dbSNP rs1596400563, ClinGen allele CA394293214.